The following is an entry in ClinVar:

ClinVar aggregate classification (germline): Uncertain significance (1 of 4 stars; one submission).

Submission:

CeGaT Center for Human Genetics Tuebingen
Classification: Uncertain significance. Last evaluated: 2024-01-01. Review status: criteria provided, single submitter. Criteria: CeGaT Center For Human Genetics Tuebingen Variant Classification Criteria Version 2. Collection method: clinical testing. Allele origin: germline. Affected: yes. Observed: 1 variant allele.
Comment: LIPA: PM2, BP4

NM_000235.4(LIPA):c.52C>T (p.His18Tyr)

Gene: LIPA (lipase A, lysosomal acid type; minus strand). Cytogenetic location: 10q23.31.
Variant type: single nucleotide variant.
Coding change: c.52C>T on transcript NM_000235.4 (MANE Select); coding-DNA position 52, C replaced by T.
Protein change: p.His18Tyr; replaces histidine 18 with tyrosine.
Molecular consequence: missense variant. On other transcripts: intron variant (1).
Genome position (GRCh38, 1-based): chr10:89,247,597, G>A on the plus strand (C>T on the coding strand, the complement: LIPA is on the minus strand). VCF-style: chr10-89247597-G-A. GRCh37 (hg19) VCF-style: chr10-91007354-G-A.
Other names: c.52C>T, p.His18Tyr (NM_001127605.3); c.-120+4140C>T (NM_001288979.2); short protein forms H18Y.
Identifiers: ClinVar variation 3026194 (VCV003026194.22), dbSNP rs2495648571, ClinGen allele CA377518568.